The following is an entry in ClinVar:

ClinVar aggregate classification (germline): Uncertain significance (1 of 4 stars; one submission).

Conditions:
DICER1-related tumor predisposition. Also called: DICER1 syndrome; DICER1-related pleuropulmonary blastoma cancer predisposition syndrome. Identifiers: Orphanet 284343, MedGen C3839822, MONDO:0100216.

Submission:

Labcorp Genetics (formerly Invitae), Labcorp
Classification: Uncertain significance for DICER1-related tumor predisposition. Last evaluated: 2020-02-13. Review status: criteria provided, single submitter. Criteria: Invitae Variant Classification Sherloc (09022015). Collection method: clinical testing. Allele origin: germline.
Comment: This sequence change replaces phenylalanine with serine at codon 1494 of the DICER1 protein (p.Phe1494Ser). The phenylalanine residue is moderately conserved and there is a large physicochemical difference between phenylalanine and serine. This variant is not present in population databases (ExAC no frequency). This variant has not been reported in the literature in individuals with DICER1-related conditions. Algorithms developed to predict the effect of missense changes on protein structure and function (SIFT, PolyPhen-2, Align-GVGD) all suggest that this variant is likely to be tolerated, but these predictions have not been confirmed by published functional studies and their clinical significance is uncertain. In summary, the available evidence is currently insufficient to determine the role of this variant in disease. Therefore, it has been classified as a Variant of Uncertain Significance.

NM_177438.3(DICER1):c.4481T>C (p.Phe1494Ser)

Gene: DICER1 (dicer 1, ribonuclease III; minus strand). Cytogenetic location: 14q32.13.
Variant type: single nucleotide variant.
Coding change: c.4481T>C on transcript NM_177438.3 (MANE Select); coding-DNA position 4481, T replaced by C.
Protein change: p.Phe1494Ser; replaces phenylalanine 1494 with serine.
Molecular consequence: missense variant.
Genome position (GRCh38, 1-based): chr14:95,096,439, A>G on the plus strand (T>C on the coding strand, the complement: DICER1 is on the minus strand). VCF-style: chr14-95096439-A-G. GRCh37 (hg19) VCF-style: chr14-95562776-A-G.
Other names: c.4481T>C, p.Phe1494Ser (NM_001271282.3, NM_001291628.2, NM_030621.4 and 1 more transcripts); short protein forms F1494S.
Identifiers: ClinVar variation 1026987 (VCV001026987.10), dbSNP rs1890344246, ClinGen allele CA390868182.